The following is an entry in ClinVar:

ClinVar aggregate classification (germline): Pathogenic (1 of 4 stars; one submission).

Submission:

Labcorp Genetics (formerly Invitae), Labcorp
Classification: Pathogenic. Last evaluated: 2023-09-29. Review status: criteria provided, single submitter. Criteria: Invitae Variant Classification Sherloc (09022015). Collection method: clinical testing. Allele origin: germline.
Comment: For these reasons, this variant has been classified as Pathogenic. This variant has not been reported in the literature in individuals affected with FLNB-related conditions. This variant is not present in population databases (gnomAD no frequency). This sequence change creates a premature translational stop signal (p.Ser1821Valfs*58) in the FLNB gene. It is expected to result in an absent or disrupted protein product. Loss-of-function variants in FLNB are known to be pathogenic (PMID: 14991055).

Literature cited by the submitters: PubMed 14991055.

NM_001457.4(FLNB):c.5461del (p.Ser1821fs)

Gene: FLNB (filamin B; plus strand). Cytogenetic location: 3p14.3.
Variant type: Deletion.
Coding change: c.5461del on transcript NM_001457.4 (MANE Select); coding-DNA position 5461, one base deleted (A; older notation c.5461delA).
Protein change: p.Ser1821fs; shifts the reading frame from serine 1821.
Molecular consequence: frameshift variant.
Genome position (GRCh38, 1-based): chr3:58,145,956, A deleted. VCF-style (leftmost placement, unchanged base first): chr3-58145955-CA-C. GRCh37 (hg19) VCF-style: chr3-58131682-CA-C.
Other names: c.5554del, p.Ser1852fs (NM_001164317.2); c.5428del, p.Ser1810fs (NM_001164318.2); c.5389del, p.Ser1797fs (NM_001164319.2); short protein forms S1852fs, S1821fs, S1797fs, S1810fs.
Identifiers: ClinVar variation 2764430 (VCV002764430.3), dbSNP rs2471197087, ClinGen allele CA2697556754.